The following is an entry in ClinVar:

ClinVar aggregate classification (germline): Likely benign. Review status: criteria provided, multiple submitters, no conflicts (2 of 4 stars). 2 submissions from 2 submitters: Likely benign (2). Last evaluated 2026-06-29.

Conditions:
TTC21B-related disorder. Also called: TTC21B-related condition; TTC21B-related disorders.
Jeune thoracic dystrophy. Also called: Short-rib thoracic dysplasia; Jeune syndrome; Infantile thoracic dystrophy; Thoracic pelvic phalangeal dystrophy; Jeune's syndrome; Chondroectodermal dysplasia-like syndrome. Identifiers: Orphanet 474, MedGen C0265275, MONDO:0018770.
Nephronophthisis. Also called: Juvenile Nephronophthisis. Identifiers: Orphanet 655, MedGen C0687120, MONDO:0019005, HP:0000090.

Allele frequency attached by ClinVar (database versions not stated): gnomAD exomes below 0.00001; ExAC 0.00002.
gnomAD v4.1: 8 of 1,613,904 alleles (0.0005%); highest among the groups gnomAD compares: Non-Finnish European, 0.00051%; no homozygotes.

Submissions (2):

PreventionGenetics, part of Exact Sciences
Classification: Likely benign for TTC21B-related condition. Last evaluated: 2026-06-29. Review status: criteria provided, single submitter. Criteria: ACMG Guidelines, 2015. Collection method: clinical testing. Allele origin: germline.
Comment: This variant is classified as likely benign based on ACMG/AMP sequence variant interpretation guidelines (Richards et al. 2015 PMID: 25741868, with internal and published modifications).

Labcorp Genetics (formerly Invitae), Labcorp
Classification: Likely benign for Jeune thoracic dystrophy; Nephronophthisis. Last evaluated: 2022-06-13. Review status: criteria provided, single submitter. Criteria: Invitae Variant Classification Sherloc (09022015). Collection method: clinical testing. Allele origin: germline.

NM_024753.5(TTC21B):c.573C>T (p.Arg191=)

Genes: TTC21B (tetratricopeptide repeat domain 21B; minus strand), TTC21B-AS1 (TTC21B antisense RNA 1; plus strand). Cytogenetic location: 2q24.3.
Variant type: single nucleotide variant.
Coding change: c.573C>T on transcript NM_024753.5 (MANE Select); coding-DNA position 573, C replaced by T.
Protein change: p.Arg191=; no amino-acid change (arginine 191 retained).
Molecular consequence: synonymous variant.
Genome position (GRCh38, 1-based): chr2:165,941,164, G>A on the plus strand (C>T on the coding strand, the complement: TTC21B is on the minus strand). VCF-style: chr2-165941164-G-A. GRCh37 (hg19) VCF-style: chr2-166797674-G-A.
Other names: c.573C>T (NM_024753.4).
Identifiers: ClinVar variation 2180231 (VCV002180231.5), dbSNP rs1256873596, ClinGen allele CA1942388.